The following is an entry in ClinVar:

NM_138694.4(PKHD1):c.9750delinsCTCTGTAT (p.Glu3251fs)

Gene: PKHD1 (PKHD1 ciliary IPT domain containing fibrocystin/polyductin; minus strand). Cytogenetic location: 6p12.3.
Variant type: Indel.
Coding change: c.9750delinsCTCTGTAT on transcript NM_138694.4 (MANE Select); coding-DNA position 9750, A replaced by CTCTGTAT.
Protein change: p.Glu3251fs; shifts the reading frame from glutamic acid 3251.
Molecular consequence: frameshift variant.
Genome position (GRCh38, 1-based): chr6:51,747,866, T replaced by ATACAGAG on the plus strand (A replaced by CTCTGTAT on the coding strand, the reverse complement: PKHD1 is on the minus strand). VCF-style: chr6-51747866-T-ATACAGAG. GRCh37 (hg19) VCF-style: chr6-51612664-T-ATACAGAG.
Other names: c.9750delinsCTCTGTAT, p.Glu3251fs (NM_170724.3); short protein forms E3251fs.
Identifiers: ClinVar variation 4816804 (VCV004816804.1).

ClinVar aggregate classification (germline): Likely pathogenic (1 of 4 stars; one submission).

Conditions:
Autosomal recessive polycystic kidney disease (ARPKD). Also called: AR polycystic kidney disease. Identifiers: Orphanet 731, Orphanet 8378, MedGen C0085548, MeSH D017044, MONDO:0009889.

Submission:

Natera, Inc.
Classification: Likely pathogenic for Autosomal recessive polycystic kidney disease. Last evaluated: 2025-03-28. Review status: criteria provided, single submitter. Criteria: Natera Variant Classification Schema (03/2026). Collection method: clinical testing. Allele origin: germline.
Comment: The c.9750delinsCTCTGTAT variant in PKHD1 is a frameshift variant predicted to shift the reading frame beginning at codon 3251 and leads to a stop codon 3 codons downstream. This variant is expected to result in nonsense mediated decay, truncation, or a dysfunctional protein product. This variant is rare in the general population with a frequency below the threshold expected for the associated phenotype(s). Given the available evidence, this variant is classified as Likely Pathogenic.